The following is an entry in ClinVar:

NM_000548.5(TSC2):c.4363G>A (p.Gly1455Ser)

Gene: TSC2 (TSC complex subunit 2; plus strand). Cytogenetic location: 16p13.3.
Variant type: single nucleotide variant.
Coding change: c.4363G>A on transcript NM_000548.5 (MANE Select); coding-DNA position 4363, G replaced by A.
Protein change: p.Gly1455Ser; replaces glycine 1455 with serine.
Molecular consequence: missense variant.
Genome position (GRCh38, 1-based): chr16:2,084,585, G>A. VCF-style: chr16-2084585-G-A. GRCh37 (hg19) VCF-style: chr16-2134586-G-A.
Other names: c.4054G>A, p.Gly1352Ser (NM_001318827.2); c.4018G>A, p.Gly1340Ser (NM_001318829.2); c.3631G>A, p.Gly1211Ser (NM_001318831.2); c.4195G>A, p.Gly1399Ser (NM_001318832.2); c.4165G>A, p.Gly1389Ser (NM_001363528.2); c.4231G>A, p.Gly1411Ser (NM_001370404.1); c.4234G>A, p.Gly1412Ser (NM_001370405.1, NM_021055.3); c.4360G>A, p.Gly1454Ser (NM_001406663.1); and 26 more; short protein forms G1231S, G1339S, G1384S, G1385S, G1389S, G1419S, G1431S, G1211S.
Identifiers: ClinVar variation 1740031 (VCV001740031.4), dbSNP rs2544281315, ClinGen allele CA394301695.

ClinVar aggregate classification (germline): Uncertain significance. Review status: criteria provided, multiple submitters, no conflicts (2 of 4 stars). 2 submissions from 2 submitters: Uncertain significance (2). Last evaluated 2025-11-11.

Conditions:
Hereditary cancer-predisposing syndrome. Also called: Neoplastic Syndromes, Hereditary; Tumor predisposition; Hereditary Cancer Syndrome; Hereditary neoplastic syndrome. Identifiers: Orphanet 140162, MedGen C0027672, MeSH D009386, MONDO:0015356.
Tuberous sclerosis 2 (TSC2). Identifiers: Orphanet 805, MedGen C1860707, MONDO:0013199, OMIM 613254.

Submissions (2):

Labcorp Genetics (formerly Invitae), Labcorp
Classification: Uncertain significance for Tuberous sclerosis 2. Last evaluated: 2025-11-11. Review status: criteria provided, single submitter. Criteria: Invitae Variant Classification Sherloc (09022015). Collection method: clinical testing. Allele origin: germline.
Comment: This sequence change replaces glycine, which is neutral and non-polar, with serine, which is neutral and polar, at codon 1455 of the TSC2 protein (p.Gly1455Ser). This variant is not present in population databases (gnomAD no frequency). This variant has not been reported in the literature in individuals affected with TSC2-related conditions. ClinVar contains an entry for this variant (Variation ID: 1740031). Invitae Evidence Modeling of protein sequence and biophysical properties (such as structural, functional, and spatial information, amino acid conservation, physicochemical variation, residue mobility, and thermodynamic stability) indicates that this missense variant is not expected to disrupt TSC2 protein function with a negative predictive value of 95%. In summary, the available evidence is currently insufficient to determine the role of this variant in disease. Therefore, it has been classified as a Variant of Uncertain Significance.

Ambry Genetics
Classification: Uncertain significance for Hereditary cancer-predisposing syndrome. Last evaluated: 2022-03-03. Review status: criteria provided, single submitter. Criteria: Ambry Variant Classification Scheme 2023. Collection method: clinical testing. Allele origin: germline.
Comment: The p.G1455S variant (also known as c.4363G>A), located in coding exon 33 of the TSC2 gene, results from a G to A substitution at nucleotide position 4363. The glycine at codon 1455 is replaced by serine, an amino acid with similar properties. This amino acid position is conserved. In addition, the in silico prediction for this alteration is inconclusive. Since supporting evidence is limited at this time, the clinical significance of this alteration remains unclear.